The following is an entry in ClinVar:

ClinVar aggregate classification (germline): Uncertain significance. Review status: criteria provided, multiple submitters, no conflicts (2 of 4 stars). 2 submissions from 2 submitters: Uncertain significance (2). Last evaluated 2020-02-15.

Conditions:
Ullrich congenital muscular dystrophy 2 (UCMD2). Identifiers: Orphanet 75840, MedGen C4225314, MONDO:0014654, OMIM 616470.
Bethlem myopathy 2 (BTHLM2). Identifiers: Orphanet 536516, Orphanet 610, MedGen C4225313, MONDO:0034022, OMIM 616471.

gnomAD v4.1: 2 of 1,613,706 alleles (0.00012%); highest among the groups gnomAD compares: Non-Finnish European, 0.00017%; no homozygotes.

Submissions (2):

Labcorp Genetics (formerly Invitae), Labcorp
Classification: Uncertain significance for Bethlem myopathy 2; Ullrich congenital muscular dystrophy 2. Last evaluated: 2020-02-15. Review status: criteria provided, single submitter. Criteria: Invitae Variant Classification Sherloc (09022015). Collection method: clinical testing. Allele origin: germline.
Comment: This sequence change replaces threonine with asparagine at codon 2825 of the COL12A1 protein (p.Thr2825Asn). The threonine residue is moderately conserved and there is a small physicochemical difference between threonine and asparagine. This variant is not present in population databases (ExAC no frequency) and has not been reported in the literature in individuals with a COL12A1-related disease. Algorithms developed to predict the effect of missense changes on protein structure and function do not agree on the potential impact of this missense change (SIFT: "Deleterious"; PolyPhen-2: "Possibly Damaging"; Align-GVGD: "Class C0"). In summary, this variant is a novel missense change with uncertain impact on protein function. It has been classified as a Variant of Uncertain Significance.

Revvity Omics, Revvity
Classification: Uncertain significance. Last evaluated: 2019-06-27. Review status: criteria provided, single submitter. Criteria: ACMG Guidelines, 2015. Collection method: clinical testing. Allele origin: germline.

NM_004370.6(COL12A1):c.8474C>A (p.Thr2825Asn)

Gene: COL12A1 (collagen type XII alpha 1 chain; minus strand). Cytogenetic location: 6q13.
Variant type: single nucleotide variant.
Coding change: c.8474C>A on transcript NM_004370.6 (MANE Select); coding-DNA position 8474, C replaced by A.
Protein change: p.Thr2825Asn; replaces threonine 2825 with asparagine.
Molecular consequence: missense variant.
Genome position (GRCh38, 1-based): chr6:75,101,649, G>T on the plus strand (C>A on the coding strand, the complement: COL12A1 is on the minus strand). VCF-style: chr6-75101649-G-T. GRCh37 (hg19) VCF-style: chr6-75811365-G-T.
Other names: c.4982C>A, p.Thr1661Asn (NM_080645.3); short protein forms T2825N, T1661N.
Identifiers: ClinVar variation 475902 (VCV000475902.12), dbSNP rs1280191331, ClinGen allele CA364739095.